The following is an entry in ClinVar:

NM_002585.4(PBX1):c.265+1G>A

Gene: PBX1 (PBX homeobox 1; plus strand). Cytogenetic location: 1q23.3.
Variant type: single nucleotide variant.
Coding change: c.265+1G>A on transcript NM_002585.4 (MANE Select); the canonical splice donor site of the intron after coding-DNA position 265, G replaced by A.
Molecular consequence: splice donor variant. On other transcripts: intron variant (1).
Genome position (GRCh38, 1-based): chr1:164,563,312, G>A. VCF-style: chr1-164563312-G-A. GRCh37 (hg19) VCF-style: chr1-164532549-G-A.
Other names: c.265+1G>A (NM_001353131.2, NM_001204961.2, NM_001204963.2); c.16+3299G>A (NM_001353130.1).
Identifiers: ClinVar variation 1179136 (VCV001179136.2), dbSNP rs2101688490, ClinGen allele CA343469252.

ClinVar aggregate classification (germline): Likely pathogenic (1 of 4 stars; one submission).

Conditions:
Congenital anomalies of kidney and urinary tract syndrome with or without hearing loss, abnormal ears, or developmental delay. Also called: Congenital Anomalies of the Kidney and Urinary Tract syndrome with or without Hearing Loss, Abnormal Ears, or Developmental Delay. Identifiers: Orphanet 656130, MedGen C4539968, MONDO:0060549, OMIM 617641.

Submission:

Fulgent Genetics
Classification: Likely pathogenic for Congenital anomalies of kidney and urinary tract syndrome with or without hearing loss, abnormal ears, or developmental delay. Last evaluated: 2021-06-30. Review status: criteria provided, single submitter. Criteria: ACMG Guidelines, 2015. Collection method: clinical testing. Allele origin: unknown.
Comment: This variant has been detected in individual(s) who were sent for testing of Renasight - kidney gene panel.